The following is an entry in ClinVar:

NM_002519.3(NPAT):c.1648T>C (p.Phe550Leu)

Gene: NPAT (nuclear protein, coactivator of histone transcription; minus strand). Cytogenetic location: 11q22.3.
Variant type: single nucleotide variant.
Coding change: c.1648T>C on transcript NM_002519.3 (MANE Select); coding-DNA position 1648, T replaced by C.
Protein change: p.Phe550Leu; replaces phenylalanine 550 with leucine.
Molecular consequence: missense variant.
Genome position (GRCh38, 1-based): chr11:108,173,336, A>G on the plus strand (T>C on the coding strand, the complement: NPAT is on the minus strand). VCF-style: chr11-108173336-A-G. GRCh37 (hg19) VCF-style: chr11-108044063-A-G.
Other names: c.1648T>C, p.Phe550Leu (NM_001321307.1); short protein forms F550L.
Identifiers: ClinVar variation 1777193 (VCV001777193.2), dbSNP rs2077972957, ClinGen allele CA382514679.
Genomic context (GRCh38, chr11:108,173,336, plus strand): 5'-ATGACTTGGAACCATGAAAATTAATTTTAAGTTTTACTGTATCATTAGAATTTTCACAAA[A>G]TTGACTTTTTTTAGATGGCTTTCCAGTTAATGAAGTATCTTGGGATAAAAGTTGAGAACT-3'
Protein context (NP_002510.2, residues 540-560): LTGKPSKKSQ[Phe550Leu]CENSNDTVKL

ClinVar aggregate classification (germline): Uncertain significance (1 of 4 stars; one submission).

Allele frequency attached by ClinVar (database versions not stated): TOPMed below 0.00001; gnomAD 0.00001.
gnomAD v4.1: 1 of 1,613,082 alleles (0.000062%); highest among the groups gnomAD compares: Middle Eastern, 0.016%; no homozygotes.

Submission:

Ambry Genetics
Classification: Uncertain significance. Last evaluated: 2022-02-03. Review status: criteria provided, single submitter. Criteria: Ambry Variant Classification Scheme 2023. Collection method: clinical testing. Allele origin: germline.
Comment: The p.F550L variant (also known as c.1648T>C), located in coding exon 13 of the NPAT gene, results from a T to C substitution at nucleotide position 1648. The phenylalanine at codon 550 is replaced by leucine, an amino acid with highly similar properties. This amino acid position is conserved. In addition, this alteration is predicted to be tolerated by in silico analysis. Since supporting evidence is limited at this time, the clinical significance of this alteration remains unclear.